The following is an entry in ClinVar:

ClinVar aggregate classification (germline): Uncertain significance (1 of 4 stars; one submission).

Conditions:
GM1 gangliosidosis. Identifiers: Orphanet 354, MedGen C0085131, MONDO:0018149.
Mucopolysaccharidosis, MPS-IV-B (MPS4B). Also called: Mucopolysaccharidosis type IV B; Mucopolysaccharidosis type 4B; MORQUIO SYNDROME B; Mucopolysaccharidosis type IVB (Morquio); MPS IVB; Mucopolysaccharidosis Type IVB. Identifiers: Orphanet 309310, Orphanet 582, MedGen C0086652, MONDO:0009660, OMIM 253010.

gnomAD v4.1: 9 of 1,614,112 alleles (0.00056%); highest among the groups gnomAD compares: Non-Finnish European, 0.00076%; no homozygotes.

Submission:

Labcorp Genetics (formerly Invitae), Labcorp
Classification: Uncertain significance for Mucopolysaccharidosis, MPS-IV-B; GM1 gangliosidosis. Last evaluated: 2025-05-05. Review status: criteria provided, single submitter. Criteria: Invitae Variant Classification Sherloc (09022015). Collection method: clinical testing. Allele origin: germline.
Comment: This sequence change replaces isoleucine, which is neutral and non-polar, with methionine, which is neutral and non-polar, at codon 119 of the GLB1 protein (p.Ile119Met). This variant is present in population databases (no rsID available, gnomAD 0.0009%). This variant has not been reported in the literature in individuals affected with GLB1-related conditions. ClinVar contains an entry for this variant (Variation ID: 1947618). Invitae Evidence Modeling of protein sequence and biophysical properties (such as structural, functional, and spatial information, amino acid conservation, physicochemical variation, residue mobility, and thermodynamic stability) indicates that this missense variant is expected to disrupt GLB1 protein function with a positive predictive value of 95%. In summary, the available evidence is currently insufficient to determine the role of this variant in disease. Therefore, it has been classified as a Variant of Uncertain Significance.

NM_000404.4(GLB1):c.357C>G (p.Ile119Met)

Gene: GLB1 (galactosidase beta 1; minus strand). Cytogenetic location: 3p22.3.
Variant type: single nucleotide variant.
Coding change: c.357C>G on transcript NM_000404.4 (MANE Select); coding-DNA position 357, C replaced by G.
Protein change: p.Ile119Met; replaces isoleucine 119 with methionine.
Molecular consequence: missense variant. On other transcripts: intron variant (1).
Genome position (GRCh38, 1-based): chr3:33,068,859, G>C on the plus strand (C>G on the coding strand, the complement: GLB1 is on the minus strand). VCF-style: chr3-33068859-G-C. GRCh37 (hg19) VCF-style: chr3-33110351-G-C.
Other names: c.267C>G, p.Ile89Met (NM_001079811.3); c.501C>G, p.Ile167Met (NM_001317040.2); c.357C>G, p.Ile119Met (NM_001393580.1); c.246-3302C>G (NM_001135602.3); short protein forms I119M, I89M, I167M.
Identifiers: ClinVar variation 1947618 (VCV001947618.5), dbSNP rs1448427824, ClinGen allele CA351994650.